The following is an entry in ClinVar:

NM_002691.4(POLD1):c.413G>T (p.Cys138Phe)

Gene: POLD1 (DNA polymerase delta 1, catalytic subunit; plus strand). Cytogenetic location: 19q13.33.
Variant type: single nucleotide variant.
Coding change: c.413G>T on transcript NM_002691.4 (MANE Select); coding-DNA position 413, G replaced by T.
Protein change: p.Cys138Phe; replaces cysteine 138 with phenylalanine.
Molecular consequence: missense variant. On other transcripts: non-coding transcript variant (1).
Genome position (GRCh38, 1-based): chr19:50,401,874, G>T. VCF-style: chr19-50401874-G-T. GRCh37 (hg19) VCF-style: chr19-50905131-G-T.
Other names: c.413G>T, p.Cys138Phe (NM_001256849.1, NM_001308632.1); short protein forms C138F.
Identifiers: ClinVar variation 3421918 (VCV003421918.3).

ClinVar aggregate classification (germline): Uncertain significance. Review status: criteria provided, multiple submitters, no conflicts (2 of 4 stars). 2 submissions from 2 submitters: Uncertain significance (2). Last evaluated 2025-11-05.

Conditions:
Hereditary cancer-predisposing syndrome. Also called: Neoplastic Syndromes, Hereditary; Tumor predisposition; Hereditary Cancer Syndrome; Hereditary neoplastic syndrome. Identifiers: Orphanet 140162, MedGen C0027672, MeSH D009386, MONDO:0015356.
POLD1-related polyposis and colorectal cancer syndrome (CRCS10). Also called: Colorectal cancer 10; COLORECTAL CANCER, SUSCEPTIBILITY TO, ON CHROMOSOME 19q; Colorectal cancer, susceptibility to, 10. Identifiers: Orphanet 220460, MedGen C2675481, MONDO:0012953, OMIM 612591.

Submissions (2):

Labcorp Genetics (formerly Invitae), Labcorp
Classification: Uncertain significance for POLD1-related polyposis and colorectal cancer syndrome. Last evaluated: 2025-11-05. Review status: criteria provided, single submitter. Criteria: Invitae Variant Classification Sherloc (09022015). Collection method: clinical testing. Allele origin: germline.
Comment: This sequence change replaces cysteine, which is neutral and slightly polar, with phenylalanine, which is neutral and non-polar, at codon 138 of the POLD1 protein (p.Cys138Phe). This variant is not present in population databases (gnomAD no frequency). This variant has not been reported in the literature in individuals affected with POLD1-related conditions. ClinVar contains an entry for this variant (Variation ID: 3421918). Invitae Evidence Modeling of protein sequence and biophysical properties (such as structural, functional, and spatial information, amino acid conservation, physicochemical variation, residue mobility, and thermodynamic stability) indicates that this missense variant is not expected to disrupt POLD1 protein function with a negative predictive value of 80%. In summary, the available evidence is currently insufficient to determine the role of this variant in disease. Therefore, it has been classified as a Variant of Uncertain Significance.

Ambry Genetics
Classification: Uncertain significance for Hereditary cancer-predisposing syndrome. Last evaluated: 2024-07-01. Review status: criteria provided, single submitter. Criteria: Ambry Variant Classification Scheme 2023. Collection method: clinical testing. Allele origin: germline.
Comment: The p.C138F variant (also known as c.413G>T), located in coding exon 3 of the POLD1 gene, results from a G to T substitution at nucleotide position 413. The cysteine at codon 138 is replaced by phenylalanine, an amino acid with highly dissimilar properties. This amino acid position is conserved. In addition, the in silico prediction for this alteration is inconclusive. Based on the available evidence, the clinical significance of this variant remains unclear.